The following is an entry in ClinVar:

ClinVar aggregate classification (germline): Uncertain significance (1 of 4 stars; one submission).

Conditions:
Hypertrophic cardiomyopathy. Also called: HYPERTROPHIC MYOCARDIOPATHY. Identifiers: Orphanet 217569, MedGen C0007194, MeSH D002312, MONDO:0005045, HP:0001639.

Submission:

Labcorp Genetics (formerly Invitae), Labcorp
Classification: Uncertain significance for Hypertrophic cardiomyopathy. Last evaluated: 2021-01-13. Review status: criteria provided, single submitter. Criteria: Invitae Variant Classification Sherloc (09022015). Collection method: clinical testing. Allele origin: germline.
Comment: In summary, the available evidence is currently insufficient to determine the role of this variant in disease. Therefore, it has been classified as a Variant of Uncertain Significance. Nucleotide substitutions within the consensus splice site are a relatively common cause of aberrant splicing (PMID: 17576681, 9536098). Algorithms developed to predict the effect of sequence changes on RNA splicing suggest that this variant is not likely to affect RNA splicing, but this prediction has not been confirmed by published transcriptional studies. This variant has not been reported in the literature in individuals with MYBPC3-related conditions. This variant is not present in population databases (ExAC no frequency). This sequence change falls in intron 3 of the MYBPC3 gene. It does not directly change the encoded amino acid sequence of the MYBPC3 protein, but it affects a nucleotide within the consensus splice site of the intron.

Literature cited by the submitters: PubMed 17576681; PubMed 9536098.

NM_000256.3(MYBPC3):c.407-3C>T

Gene: MYBPC3 (myosin binding protein C3; minus strand). Cytogenetic location: 11p11.2.
Variant type: single nucleotide variant.
Coding change: c.407-3C>T on transcript NM_000256.3 (MANE Select); 3 bases into the intron before coding-DNA position 407, C replaced by T.
Molecular consequence: intron variant.
Genome position (GRCh38, 1-based): chr11:47,350,115, G>A on the plus strand (C>T on the coding strand, the complement: MYBPC3 is on the minus strand). VCF-style: chr11-47350115-G-A. GRCh37 (hg19) VCF-style: chr11-47371666-G-A.
Identifiers: ClinVar variation 1014914 (VCV001014914.8), dbSNP rs2095899059, ClinGen allele CA1969341941.